The following is an entry in ClinVar:

NM_001042492.3(NF1):c.8023C>A (p.Pro2675Thr)

Gene: NF1 (neurofibromin 1; plus strand). Cytogenetic location: 17q11.2.
Variant type: single nucleotide variant.
Coding change: c.8023C>A on transcript NM_001042492.3 (MANE Select); coding-DNA position 8023, C replaced by A.
Protein change: p.Pro2675Thr; replaces proline 2675 with threonine.
Molecular consequence: missense variant.
Genome position (GRCh38, 1-based): chr17:31,358,532, C>A. VCF-style: chr17-31358532-C-A. GRCh37 (hg19) VCF-style: chr17-29685550-C-A.
Other names: c.7960C>A, p.Pro2654Thr (NM_000267.4); short protein forms P2675T, P2654T.
Identifiers: ClinVar variation 827361 (VCV000827361.5), dbSNP rs1597868132, ClinGen allele CA399203699.

ClinVar aggregate classification (germline): Uncertain significance. Review status: criteria provided, multiple submitters, no conflicts (2 of 4 stars). 2 submissions from 2 submitters: Uncertain significance (2). Last evaluated 2025-02-19.

Conditions:
Hereditary cancer-predisposing syndrome. Also called: Neoplastic Syndromes, Hereditary; Hereditary Cancer Syndrome; Hereditary neoplastic syndrome; Tumor predisposition. Identifiers: Orphanet 140162, MedGen C0027672, MeSH D009386, MONDO:0015356.
Cardiovascular phenotype. Identifiers: MedGen CN230736.
Neurofibromatosis, type 1 (NF1). Also called: Neurofibromatosis, type I; Peripheral type neurofibromatosis; VON RECKLINGHAUSEN DISEASE; NEUROFIBROMATOSIS, TYPE I, SOMATIC. Identifiers: Orphanet 636, MedGen C0027831, MONDO:0018975, OMIM 162200. Disease mechanism: loss of function.

Submissions (2):

Labcorp Genetics (formerly Invitae), Labcorp
Classification: Uncertain significance for Neurofibromatosis, type 1. Last evaluated: 2025-02-19. Review status: criteria provided, single submitter. Criteria: Invitae Variant Classification Sherloc (09022015). Collection method: clinical testing. Allele origin: germline.
Comment: This sequence change replaces proline, which is neutral and non-polar, with threonine, which is neutral and polar, at codon 2654 of the NF1 protein (p.Pro2654Thr). This variant is not present in population databases (gnomAD no frequency). This variant has not been reported in the literature in individuals affected with NF1-related conditions. ClinVar contains an entry for this variant (Variation ID: 827361). Invitae Evidence Modeling of protein sequence and biophysical properties (such as structural, functional, and spatial information, amino acid conservation, physicochemical variation, residue mobility, and thermodynamic stability) indicates that this missense variant is not expected to disrupt NF1 protein function with a negative predictive value of 95%. In summary, the available evidence is currently insufficient to determine the role of this variant in disease. Therefore, it has been classified as a Variant of Uncertain Significance.

Ambry Genetics
Classification: Uncertain significance for Cardiovascular phenotype; Hereditary cancer-predisposing syndrome. Last evaluated: 2018-06-05. Review status: criteria provided, single submitter. Criteria: Ambry Variant Classification Scheme 2023. Collection method: clinical testing. Allele origin: germline.
Comment: The p.P2654T variant (also known as c.7960C>A), located in coding exon 54 of the NF1 gene, results from a C to A substitution at nucleotide position 7960. The proline at codon 2654 is replaced by threonine, an amino acid with highly similar properties. This amino acid position is well conserved in available vertebrate species. In addition, this alteration is predicted to be tolerated by in silico analysis. Since supporting evidence is limited at this time, the clinical significance of this alteration remains unclear.